The following is an entry in ClinVar:

ClinVar aggregate classification (germline): Uncertain significance. Review status: criteria provided, multiple submitters, no conflicts (2 of 4 stars). 2 submissions from 2 submitters: Uncertain significance (2). Last evaluated 2023-04-26.

Allele frequency attached by ClinVar (database versions not stated): gnomAD exomes below 0.00001.
gnomAD v4.1: 6 of 1,551,536 alleles (0.00039%); highest among the groups gnomAD compares: Non-Finnish European, 0.00052%; no homozygotes.

Submissions (2):

Blueprint Genetics
Classification: Uncertain significance. Last evaluated: 2023-04-26. Review status: criteria provided, single submitter. Criteria: ACMG Guidelines, 2015. Collection method: clinical testing. Allele origin: germline.

Labcorp Genetics (formerly Invitae), Labcorp
Classification: Uncertain significance. Last evaluated: 2022-07-11. Review status: criteria provided, single submitter. Criteria: Invitae Variant Classification Sherloc (09022015). Collection method: clinical testing. Allele origin: germline.
Comment: Algorithms developed to predict the effect of missense changes on protein structure and function are either unavailable or do not agree on the potential impact of this missense change (SIFT: "Not Available"; PolyPhen-2: "Probably Damaging"; Align-GVGD: "Not Available"). This variant has not been reported in the literature in individuals affected with UNC80-related conditions. This variant is not present in population databases (gnomAD no frequency). This sequence change replaces proline, which is neutral and non-polar, with leucine, which is neutral and non-polar, at codon 1660 of the UNC80 protein (p.Pro1660Leu). In summary, the available evidence is currently insufficient to determine the role of this variant in disease. Therefore, it has been classified as a Variant of Uncertain Significance.

NM_001371986.1(UNC80):c.5177C>T (p.Pro1726Leu)

Genes: UNC80 (unc-80 subunit of NALCN channel complex; plus strand), LOC126806490 (P300/CBP strongly-dependent group 1 enhancer GRCh37_chr2:210782411-210783610; plus strand). Cytogenetic location: 2q34.
Variant type: single nucleotide variant.
Coding change: c.5177C>T on transcript NM_001371986.1 (MANE Select); coding-DNA position 5177, C replaced by T.
Protein change: p.Pro1726Leu; replaces proline 1726 with leucine.
Molecular consequence: missense variant.
Genome position (GRCh38, 1-based): chr2:209,917,924, C>T. VCF-style: chr2-209917924-C-T. GRCh37 (hg19) VCF-style: chr2-210782648-C-T.
Other names: c.4979C>T, p.Pro1660Leu (NM_032504.2); c.4964C>T, p.Pro1655Leu (NM_182587.4); short protein forms P1660L, P1726L, P1655L.
Identifiers: ClinVar variation 1913480 (VCV001913480.6), dbSNP rs1046246987, ClinGen allele CA65040200.